The following is an entry in ClinVar:

ClinVar aggregate classification (germline): Conflicting classifications of pathogenicity. Review status: criteria provided, conflicting classifications (1 of 4 stars). 4 submissions from 4 submitters: Uncertain significance (2); Likely benign (2). Last evaluated 2026-07-27.

Conditions:
Cardiovascular phenotype. Identifiers: MedGen CN230736.
CACNA1C-related disorder. Also called: CACNA1C-related condition; CACNA1C-related disorders. Identifiers: MedGen CN381092, MONDO:0700321.
Long QT syndrome (LQTS). Identifiers: MedGen C0023976, MeSH D008133, MONDO:0002442. Disease mechanism: loss of function. Inheritance: Various modes of inheritance.

Allele frequency attached by ClinVar (database versions not stated): gnomAD exomes 0.00001 and 0.00002; ExAC 0.00002; gnomAD 0.00002; TOPMed 0.00002.
gnomAD v4.1: 19 of 1,613,572 alleles (0.0012%); highest among the groups gnomAD compares: African/African-American, 0.0067%; no homozygotes.

Submissions (4):

PreventionGenetics, part of Exact Sciences
Classification: Uncertain significance for CACNA1C-related condition. Last evaluated: 2026-07-27. Review status: criteria provided, single submitter. Criteria: ACMG Guidelines, 2015. Collection method: clinical testing. Allele origin: germline.
Comment: The CACNA1C c.5236G>A variant is predicted to result in the amino acid substitution p.Glu1746Lys. To our knowledge, this variant has not been reported in the literature. This variant is reported in 0.0098% of alleles in individuals of South Asian descent in gnomAD. At this time, the clinical significance of this variant is uncertain due to the absence of conclusive functional and genetic evidence.

Labcorp Genetics (formerly Invitae), Labcorp
Classification: Likely benign for Long QT syndrome. Last evaluated: 2025-12-09. Review status: criteria provided, single submitter. Criteria: Invitae Variant Classification Sherloc (09022015). Collection method: clinical testing. Allele origin: germline.

GeneDx
Classification: Uncertain significance. Last evaluated: 2024-03-27. Review status: criteria provided, single submitter. Criteria: GeneDx Variant Classification Process June 2021. Collection method: clinical testing. Allele origin: germline. Affected: yes.
Comment: Has not been previously published as pathogenic or benign to our knowledge; Not observed at significant frequency in large population cohorts (gnomAD); In silico analysis supports that this missense variant does not alter protein structure/function

Ambry Genetics
Classification: Likely benign for Cardiovascular phenotype. Last evaluated: 2023-04-19. Review status: criteria provided, single submitter. Criteria: Ambry Variant Classification Scheme 2023. Collection method: clinical testing. Allele origin: germline.

NM_000719.7(CACNA1C):c.5236G>A (p.Glu1746Lys)

Genes: CACNA1C (calcium voltage-gated channel subunit alpha1 C; plus strand), CACNA1C-AS1 (CACNA1C antisense RNA 1; minus strand). Cytogenetic location: 12p13.33.
Variant type: single nucleotide variant.
Coding change: c.5236G>A on transcript NM_000719.7 (MANE Select); coding-DNA position 5236, G replaced by A.
Protein change: p.Glu1746Lys; replaces glutamic acid 1746 with lysine.
Molecular consequence: missense variant.
Genome position (GRCh38, 1-based): chr12:2,679,588, G>A. VCF-style: chr12-2679588-G-A. GRCh37 (hg19) VCF-style: chr12-2788754-G-A.
Other names: c.5380G>A, p.Glu1794Lys (NM_001129827.2, NM_199460.4); c.5359G>A, p.Glu1787Lys (NM_001129829.2); c.5236G>A, p.Glu1746Lys (NM_001129830.3, NM_001129840.2, NM_001129841.2 and 4 more transcripts); c.5320G>A, p.Glu1774Lys (NM_001129831.2); c.5296G>A, p.Glu1766Lys (NM_001129832.2); c.5293G>A, p.Glu1765Lys (NM_001129833.2, NM_001129834.2, NM_001129835.2); c.5287G>A, p.Glu1763Lys (NM_001129836.2); c.5260G>A, p.Glu1754Lys (NM_001129837.2, NM_001129838.2); and 3 more; short protein forms E1743K, E1752K, E1766K, E1787K, E1794K, E1735K, E1746K, E1754K.
Identifiers: ClinVar variation 967847 (VCV000967847.15), dbSNP rs759468937, ClinGen allele CA6389737.